The following is an entry in ClinVar:

ClinVar aggregate classification (germline): Pathogenic (1 of 4 stars; one submission).

Submission:

Clinical Genomics Laboratory, Laboratory for Precision Diagnostics, University of Washington
Classification: Pathogenic. Last evaluated: 2016-03-29. Review status: criteria provided, single submitter. Criteria: Clinical Cytogenomics Laboratory Policy on CNV Interpretation. Collection method: clinical testing. Allele origin: unknown. Affected: yes. Observed: 1 variant allele.

Literature cited by the submitters: PubMed 3829442; PubMed 8291556; PubMed 14564214; PubMed 10636453; PubMed 12030892; PubMed 18777129; PubMed 10482877; PubMed 18266247.

GRCh37/hg19 5p15.33-14.3(chr5:25328-19661628)x3

Genes: ADAMTS16 (ADAM metallopeptidase with thrombospondin type 1 motif 16; plus strand), ADCY2 (adenylate cyclase 2; plus strand), AHRR (aryl hydrocarbon receptor repressor; plus strand), ANKH (ANKH inorganic pyrophosphate transport regulator; minus strand), ANKRD33B (ankyrin repeat domain 33B; plus strand) and 59 more. Cytogenetic location: 5p15.33-14.3.
Variant type: copy number gain.
Change: copy number 3 (three copies instead of two) of chr5:25,328-19,661,628 (19.64 Mb, GRCh37 coordinates, 1-based), cytogenetic band 5p15.33-14.3.
Identifiers: ClinVar variation 242852 (VCV000242852.2).